The following is an entry in ClinVar:

ClinVar aggregate classification (germline): Pathogenic (1 of 4 stars; one submission).

Submission:

Labcorp Genetics (formerly Invitae), Labcorp
Classification: Pathogenic. Last evaluated: 2024-01-18. Review status: criteria provided, single submitter. Criteria: Invitae Variant Classification Sherloc (09022015). Collection method: clinical testing. Allele origin: germline.
Comment: This sequence change creates a premature translational stop signal (p.Leu1421*) in the ANK1 gene. It is expected to result in an absent or disrupted protein product. Loss-of-function variants in ANK1 are known to be pathogenic (PMID: 8640229). This variant is not present in population databases (gnomAD no frequency). This variant has not been reported in the literature in individuals affected with ANK1-related conditions. Algorithms developed to predict the effect of sequence changes on RNA splicing suggest that this variant may create or strengthen a splice site. For these reasons, this variant has been classified as Pathogenic.

Literature cited by the submitters: PubMed 8640229.

NM_000037.4(ANK1):c.4262T>A (p.Leu1421Ter)

Gene: ANK1 (ankyrin 1; minus strand). Cytogenetic location: 8p11.21.
Variant type: single nucleotide variant.
Coding change: c.4262T>A on transcript NM_000037.4 (MANE Select); coding-DNA position 4262, T replaced by A.
Protein change: p.Leu1421Ter; replaces leucine 1421 with a stop codon.
Molecular consequence: nonsense.
Genome position (GRCh38, 1-based): chr8:41,686,280, A>T on the plus strand (T>A on the coding strand, the complement: ANK1 is on the minus strand). VCF-style: chr8-41686280-A-T. GRCh37 (hg19) VCF-style: chr8-41543798-A-T.
Other names: c.4385T>A, p.Leu1462Ter (NM_001142446.2); c.4262T>A, p.Leu1421Ter (NM_020475.3, NM_020476.3, NM_020477.3); short protein forms L1421*, L1462*.
Identifiers: ClinVar variation 2710054 (VCV002710054.3), dbSNP rs2486729249, ClinGen allele CA371057581.